The following is an entry in ClinVar:

ClinVar aggregate classification (germline): Uncertain significance (1 of 4 stars; one submission).

Conditions:
Inborn genetic diseases. Identifiers: MedGen C0950123, MeSH D030342.

Submission:

Ambry Genetics
Classification: Uncertain significance for Inborn genetic diseases. Last evaluated: 2026-06-19. Review status: criteria provided, single submitter. Criteria: Ambry Variant Classification Scheme 2023. Collection method: clinical testing. Allele origin: germline.
Comment: The p.A206S variant (also known as c.616G>T), located in coding exon 5 of the CEP57 gene, results from a G to T substitution at nucleotide position 616. The alanine at codon 206 is replaced by serine, an amino acid with similar properties. This amino acid position is conserved. In addition, the in silico prediction for this alteration is inconclusive. Based on the available evidence, the clinical significance of this variant remains unclear.

NM_014679.5(CEP57):c.616G>T (p.Ala206Ser)

Gene: CEP57 (centrosomal protein 57; plus strand). Cytogenetic location: 11q21.
Variant type: single nucleotide variant.
Coding change: c.616G>T on transcript NM_014679.5 (MANE Select); coding-DNA position 616, G replaced by T.
Protein change: p.Ala206Ser; replaces alanine 206 with serine.
Molecular consequence: missense variant. On other transcripts: intron variant (7).
Genome position (GRCh38, 1-based): chr11:95,817,898, G>T. VCF-style: chr11-95817898-G-T. GRCh37 (hg19) VCF-style: chr11-95551062-G-T.
Other names: c.589G>T, p.Ala197Ser (NM_001243776.2); c.616G>T, p.Ala206Ser (NM_001243777.2, NM_001440871.1, NM_001440874.1); c.535G>T, p.Ala179Ser (NM_001363604.2, NM_001440869.1, NM_001440870.1 and 1 more transcripts); c.436G>T, p.Ala146Ser (NM_001440873.1); c.355G>T, p.Ala119Ser (NM_001440880.1); c.424-929G>T (NM_001440877.1, NM_001440878.1); c.505-929G>T (NM_001440872.1, NM_001440876.1, NM_001440879.1 and 1 more transcripts); c.325-929G>T (NM_001440881.1); short protein forms A206S, A119S, A146S, A197S, A179S.
Identifiers: ClinVar variation 5034355 (VCV005034355.1).